The following is an entry in ClinVar:

NM_031924.8(RSPH3):c.-138C>G

Gene: RSPH3 (radial spoke head 3; minus strand). Cytogenetic location: 6q25.3.
Variant type: single nucleotide variant.
Coding change: c.-138C>G on transcript NM_031924.8 (MANE Select); 138 bases upstream of the start codon, C replaced by G.
Molecular consequence: 5 prime UTR variant. On other transcripts: missense variant (1), non-coding transcript variant (1).
Genome position (GRCh38, 1-based): chr6:158,999,688, G>C on the plus strand (C>G on the coding strand, the complement: RSPH3 is on the minus strand). VCF-style: chr6-158999688-G-C. GRCh37 (hg19) VCF-style: chr6-159420720-G-C.
Other names: c.289C>G, p.Pro97Ala (NM_001346418.1); short protein forms P97A.
Identifiers: ClinVar variation 2084427 (VCV002084427.4), dbSNP rs2484930345, ClinGen allele CA366285463.
Genomic context (GRCh38, chr6:158,999,688, plus strand): 5'-AGAGATGTAAGTAGTGCCAAGGGCAAGGATTCCGCGACGCGAGGAGAGGCGACAACAAGG[G>C]AGGCGGGCGGGACGGGAGGTTACCAGCGCAGGAGGTGGGAGCTATACTGGGCTCGCTCCC-3'

ClinVar aggregate classification (germline): Uncertain significance (1 of 4 stars; one submission).

Conditions:
Primary ciliary dyskinesia 32. Also called: CILIARY DYSKINESIA, PRIMARY, 32, WITHOUT SITUS INVERSUS. Identifiers: Orphanet 244, MedGen C4225311, MONDO:0014657, OMIM 616481.

Submission:

Labcorp Genetics (formerly Invitae), Labcorp
Classification: Uncertain significance for Primary ciliary dyskinesia 32. Last evaluated: 2022-10-17. Review status: criteria provided, single submitter. Criteria: Invitae Variant Classification Sherloc (09022015). Collection method: clinical testing. Allele origin: germline.
Comment: This sequence change replaces proline, which is neutral and non-polar, with alanine, which is neutral and non-polar, at codon 97 of the RSPH3 protein (p.Pro97Ala). In summary, the available evidence is currently insufficient to determine the role of this variant in disease. Therefore, it has been classified as a Variant of Uncertain Significance. Algorithms developed to predict the effect of missense changes on protein structure and function (SIFT, PolyPhen-2, Align-GVGD) all suggest that this variant is likely to be tolerated. This variant has not been reported in the literature in individuals affected with RSPH3-related conditions. This variant is not present in population databases (gnomAD no frequency).